The following is an entry in ClinVar:

ClinVar aggregate classification (germline): Uncertain significance. Review status: criteria provided, multiple submitters, no conflicts (2 of 4 stars). 2 submissions from 2 submitters: Uncertain significance (2). Last evaluated 2024-03-20.

Conditions:
Charcot-Marie-Tooth disease, type I (CMT1). Also called: Charcot-Marie-Tooth, Type 1; Charcot-Marie-Tooth disease type 1. Identifiers: Orphanet 65753, MedGen C0751036, MONDO:0019011.

gnomAD v4.1: 2 of 1,612,976 alleles (0.00012%); highest among the groups gnomAD compares: Non-Finnish European, 0.00017%; no homozygotes.

Submissions (2):

Labcorp Genetics (formerly Invitae), Labcorp
Classification: Uncertain significance for Charcot-Marie-Tooth disease, type I. Last evaluated: 2024-03-20. Review status: criteria provided, single submitter. Criteria: Invitae Variant Classification Sherloc (09022015). Collection method: clinical testing. Allele origin: germline.
Comment: This sequence change replaces proline, which is neutral and non-polar, with leucine, which is neutral and non-polar, at codon 341 of the EGR2 protein (p.Pro341Leu). This variant is not present in population databases (gnomAD no frequency). This variant has not been reported in the literature in individuals affected with EGR2-related conditions. ClinVar contains an entry for this variant (Variation ID: 430196). Advanced modeling of protein sequence and biophysical properties (such as structural, functional, and spatial information, amino acid conservation, physicochemical variation, residue mobility, and thermodynamic stability) performed at Invitae indicates that this missense variant is expected to disrupt EGR2 protein function with a positive predictive value of 80%. In summary, the available evidence is currently insufficient to determine the role of this variant in disease. Therefore, it has been classified as a Variant of Uncertain Significance.

GeneDx
Classification: Uncertain significance. Last evaluated: 2018-11-07. Review status: criteria provided, single submitter. Criteria: GeneDx Variant Classification (06012015). Collection method: clinical testing. Allele origin: germline. Affected: yes.
Comment: The P341L variant in the EGR2 gene has not been reported previously as a pathogenic variant, nor as a benign variant, to our knowledge. The P341L variant is not observed in large population cohorts (Lek et al., 2016). The P341L variant is a semi-conservative amino acid substitution, which may impact secondary protein structure as these residues differ in some properties. In-silico analyses, including protein predictors and evolutionary conservation, support a deleterious effect, and this substitution occurs at a position within the zinc finger domain. We interpret P341L as a variant of uncertain significance.

NM_000399.5(EGR2):c.1022C>T (p.Pro341Leu)

Gene: EGR2 (early growth response 2; minus strand). Cytogenetic location: 10q21.3.
Variant type: single nucleotide variant.
Coding change: c.1022C>T on transcript NM_000399.5 (MANE Select); coding-DNA position 1022, C replaced by T.
Protein change: p.Pro341Leu; replaces proline 341 with leucine.
Molecular consequence: missense variant.
Genome position (GRCh38, 1-based): chr10:62,813,616, G>A on the plus strand (C>T on the coding strand, the complement: EGR2 is on the minus strand). VCF-style: chr10-62813616-G-A. GRCh37 (hg19) VCF-style: chr10-64573376-G-A.
Other names: c.1022C>T, p.Pro341Leu (NM_001136177.3, NM_001136178.2); c.872C>T, p.Pro291Leu (NM_001136179.3, NM_001321037.2); short protein forms P341L, P291L.
Identifiers: ClinVar variation 430196 (VCV000430196.10), dbSNP rs1131691827, ClinGen allele CA377028014.
Genomic context (GRCh38, chr10:62,813,616, plus strand): 5'-ATGTGCCGTGTCAGCTCGTCAGAGCGGGAGAACCGCCGGTCGCAGCCTTCTGCTGGGCAC[G>A]GGTAGGGCCTCTCGTGCACCGGCGTCTTGCTGGGTCTGTTGGGGTACTTGCGAGGCCTCA-3'
Protein context (NP_000390.2, residues 331-351): SKTPVHERPY[Pro341Leu]CPAEGCDRRF